The following is an entry in ClinVar:

ClinVar aggregate classification (germline): Uncertain significance. Review status: criteria provided, multiple submitters, no conflicts (2 of 4 stars). 3 submissions from 3 submitters: Uncertain significance (3). Last evaluated 2026-02-11.

Conditions:
Xeroderma pigmentosum, group F (XPF). Also called: XERODERMA PIGMENTOSUM, TYPE F; Xeroderma pigmentosum, type 6; ERCC4-Related Xeroderma Pigmentosum; XERODERMA PIGMENTOSUM VI; XP, GROUP F; XERODERMA PIGMENTOSUM, COMPLEMENTATION GROUP F. Identifiers: MedGen C0268140, MONDO:0010215, OMIM 278760.
Cockayne syndrome. Identifiers: Orphanet 191, MedGen C0009207, MONDO:0016006.
Fanconi anemia complementation group Q. Identifiers: Orphanet 84, MedGen C3808988, MONDO:0014108, OMIM 615272.

Allele frequency attached by ClinVar (database versions not stated): ExAC 0.00003; gnomAD exomes 0.00003; gnomAD 0.00004; ESP Exome Variant Server 0.00008; TOPMed 0.00002.
gnomAD v4.1: 57 of 1,612,436 alleles (0.0035%); highest among the groups gnomAD compares: Middle Eastern, 0.049%; no homozygotes.

Submissions (3):

St. Jude Molecular Pathology, St. Jude Children's Research Hospital
Classification: Uncertain significance for Xeroderma pigmentosum, group F. Last evaluated: 2026-02-11. Review status: criteria provided, single submitter. Criteria: St. Jude Assertion Criteria 2020. Collection method: clinical testing. Allele origin: germline.
Comment: The ERCC4 c.799C>T p.(Arg267Cys) missense change has a maximum subpopulation frequency of 0.01% in gnomAD v2.1.1. The in silico tool REVEL is inconclusive about a pathogenic or benign effect of this variant on protein function, and to our knowledge functional studies have not been performed. To our knowledge, this variant has not been reported in the literature in individuals with Fanconi anemia or Xeroderma pigmentosum. In sum mary, the evidence currently available is insufficient to determine the clinical significance of this variant. It has therefore been classified as of uncertain significance.

Labcorp Genetics (formerly Invitae), Labcorp
Classification: Uncertain significance for Fanconi anemia complementation group Q; Xeroderma pigmentosum, group F; Cockayne syndrome. Last evaluated: 2024-11-28. Review status: criteria provided, single submitter. Criteria: Invitae Variant Classification Sherloc (09022015). Collection method: clinical testing. Allele origin: germline.
Comment: This sequence change replaces arginine, which is basic and polar, with cysteine, which is neutral and slightly polar, at codon 267 of the ERCC4 protein (p.Arg267Cys). This variant is present in population databases (rs373570729, gnomAD 0.01%). This variant has not been reported in the literature in individuals affected with ERCC4-related conditions. ClinVar contains an entry for this variant (Variation ID: 1060514). Invitae Evidence Modeling of protein sequence and biophysical properties (such as structural, functional, and spatial information, amino acid conservation, physicochemical variation, residue mobility, and thermodynamic stability) indicates that this missense variant is expected to disrupt ERCC4 protein function with a positive predictive value of 80%. In summary, the available evidence is currently insufficient to determine the role of this variant in disease. Therefore, it has been classified as a Variant of Uncertain Significance.

Breakthrough Genomics
Classification: Uncertain significance. Review status: criteria provided, single submitter. Criteria: ACMG Guidelines, 2015. Collection method: not provided. Allele origin: germline. Inheritance: Autosomal recessive inheritance. Affected: yes.

NM_005236.3(ERCC4):c.799C>T (p.Arg267Cys)

Gene: ERCC4 (ERCC excision repair 4, endonuclease catalytic subunit; plus strand). Cytogenetic location: 16p13.12.
Variant type: single nucleotide variant.
Coding change: c.799C>T on transcript NM_005236.3 (MANE Select); coding-DNA position 799, C replaced by T.
Protein change: p.Arg267Cys; replaces arginine 267 with cysteine.
Molecular consequence: missense variant.
Genome position (GRCh38, 1-based): chr16:13,930,716, C>T. VCF-style: chr16-13930716-C-T. GRCh37 (hg19) VCF-style: chr16-14024573-C-T.
Other names: short protein forms R267C.
Identifiers: ClinVar variation 1060514 (VCV001060514.10), dbSNP rs373570729, ClinGen allele CA7910286.